The following is an entry in ClinVar:

ClinVar aggregate classification (germline): Likely benign. Review status: criteria provided, multiple submitters, no conflicts (2 of 4 stars). 5 submissions from 5 submitters: Likely benign (5). Last evaluated 2026-05-09.

Conditions:
TTN-related disorder. Also called: TTN-related disorders; TTN-related condition; TTN-related disease.
Autosomal recessive limb-girdle muscular dystrophy type 2J (LGMDR10). Also called: Limb-girdle muscular dystrophy, type 2J; MUSCULAR DYSTROPHY, LIMB-GIRDLE, AUTOSOMAL RECESSIVE 10. Identifiers: Orphanet 140922, MedGen C1837342, MONDO:0012127, OMIM 608807.
Dilated cardiomyopathy 1G (CMD1G). Identifiers: Orphanet 154, MedGen C1858763, MONDO:0011400, OMIM 604145.
Cardiovascular phenotype. Identifiers: MedGen CN230736.

Allele frequency attached by ClinVar (database versions not stated): ExAC 0.00002; gnomAD 0.00002; gnomAD exomes 0.00002; TOPMed 0.00003; ESP Exome Variant Server 0.00008.
gnomAD v4.1: 35 of 1,611,958 alleles (0.0022%); highest among the groups gnomAD compares: Non-Finnish European, 0.0025%; no homozygotes.

Submissions (5):

PreventionGenetics, part of Exact Sciences
Classification: Likely benign for TTN-related condition. Last evaluated: 2026-05-09. Review status: criteria provided, single submitter. Criteria: ACMG Guidelines, 2015. Collection method: clinical testing. Allele origin: germline.
Comment: This variant is classified as likely benign based on ACMG/AMP sequence variant interpretation guidelines (Richards et al. 2015 PMID: 25741868, with internal and published modifications).

Labcorp Genetics (formerly Invitae), Labcorp
Classification: Likely benign for Dilated cardiomyopathy 1G; Autosomal recessive limb-girdle muscular dystrophy type 2J. Last evaluated: 2025-12-08. Review status: criteria provided, single submitter. Criteria: Invitae Variant Classification Sherloc (09022015). Collection method: clinical testing. Allele origin: germline.

Blueprint Genetics
Classification: Likely benign. Last evaluated: 2023-04-14. Review status: criteria provided, single submitter. Criteria: ACMG Guidelines, 2015. Collection method: clinical testing. Allele origin: germline.

Ambry Genetics
Classification: Likely benign for Cardiovascular phenotype. Last evaluated: 2023-01-16. Review status: criteria provided, single submitter. Criteria: Ambry Variant Classification Scheme 2023. Collection method: clinical testing. Allele origin: germline.

GeneDx
Classification: Likely benign. Last evaluated: 2016-05-11. Review status: criteria provided, single submitter. Criteria: GeneDx Variant Classification (06012015). Collection method: clinical testing. Allele origin: germline. Affected: yes.
Comment: This variant is considered likely benign or benign based on one or more of the following criteria: it is a conservative change, it occurs at a poorly conserved position in the protein, it is predicted to be benign by multiple in silico algorithms, and/or has population frequency not consistent with disease.

NM_001267550.2(TTN):c.69882C>T (p.Thr23294=)

Genes: TTN (titin; minus strand), TTN-AS1 (TTN antisense RNA 1; plus strand), LOC126806422 (BRD4-independent group 4 enhancer GRCh37_chr2:179440205-179441404; plus strand). Cytogenetic location: 2q31.2.
Variant type: single nucleotide variant.
Coding change: c.69882C>T on transcript NM_001267550.2 (MANE Select); coding-DNA position 69882, C replaced by T.
Protein change: p.Thr23294=; no amino-acid change (threonine 23294 retained).
Molecular consequence: synonymous variant.
Genome position (GRCh38, 1-based): chr2:178,576,250, G>A on the plus strand (C>T on the coding strand, the complement: TTN is on the minus strand). VCF-style: chr2-178576250-G-A. GRCh37 (hg19) VCF-style: chr2-179440977-G-A.
Other names: c.64959C>T, p.Thr21653= (NM_001256850.1); c.42687C>T, p.Thr14229= (NM_003319.4); c.62178C>T, p.Thr20726= (NM_133378.4); c.43062C>T, p.Thr14354= (NM_133432.3); c.43263C>T, p.Thr14421= (NM_133437.4).
Identifiers: ClinVar variation 386217 (VCV000386217.14), dbSNP rs376056197, ClinGen allele CA1990862.
Genomic context (GRCh38, chr2:178,576,250, plus strand): 5'-GAAGTTGTATTTTTCTTTAGTCTGAAGATCAGGAACAACGAACTGAGTGATTCTGAGGGC[G>A]GTTCCTGTGGTATCTTTTATCCAGGCCTCGTCTCCTACTTTTTGATGCTCCACGACATAG-3'
Protein context (NP_001254479.2, residues 23284-23304): DEAWIKDTTG[Thr23294=]ALRITQFVVP